The following is an entry in ClinVar:

NM_001130144.3(LTBP3):c.1505C>G (p.Pro502Arg)

Gene: LTBP3 (latent transforming growth factor beta binding protein 3; minus strand). Cytogenetic location: 11q13.1.
Variant type: single nucleotide variant.
Coding change: c.1505C>G on transcript NM_001130144.3 (MANE Select); coding-DNA position 1505, C replaced by G.
Protein change: p.Pro502Arg; replaces proline 502 with arginine.
Molecular consequence: missense variant.
Genome position (GRCh38, 1-based): chr11:65,551,998, G>C on the plus strand (C>G on the coding strand, the complement: LTBP3 is on the minus strand). VCF-style: chr11-65551998-G-C. GRCh37 (hg19) VCF-style: chr11-65319469-G-C.
Other names: c.1154C>G, p.Pro385Arg (NM_001164266.1); c.1505C>G, p.Pro502Arg (NM_021070.4); short protein forms P385R, P502R.
Identifiers: ClinVar variation 2851307 (VCV002851307.3), dbSNP rs1408149487, ClinGen allele CA381273097.

ClinVar aggregate classification (germline): Uncertain significance (1 of 4 stars; one submission).

Conditions:
Brachyolmia-amelogenesis imperfecta syndrome. Also called: Tooth agenesis, selective, 6; Dental anomalies and short stature; PLATYSPONDYLY WITH AMELOGENESIS IMPERFECTA. Identifiers: Orphanet 2899, MedGen C1832594, MONDO:0011018, OMIM 601216. Disease mechanism: loss of function.

Allele frequency attached by ClinVar (database versions not stated): gnomAD 0.00001; gnomAD exomes below 0.00001; TOPMed 0.00001.
gnomAD v4.1: 4 of 1,613,944 alleles (0.00025%); highest among the groups gnomAD compares: Non-Finnish European, 0.00025%; no homozygotes.

Submission:

Labcorp Genetics (formerly Invitae), Labcorp
Classification: Uncertain significance for Brachyolmia-amelogenesis imperfecta syndrome. Last evaluated: 2025-12-03. Review status: criteria provided, single submitter. Criteria: Invitae Variant Classification Sherloc (09022015). Collection method: clinical testing. Allele origin: germline.
Comment: This sequence change replaces proline, which is neutral and non-polar, with arginine, which is basic and polar, at codon 502 of the LTBP3 protein (p.Pro502Arg). This variant is not present in population databases (gnomAD no frequency). This variant has not been reported in the literature in individuals affected with LTBP3-related conditions. ClinVar contains an entry for this variant (Variation ID: 2851307). An algorithm developed to predict the effect of missense changes on protein structure and function (PolyPhen-2) suggests that this variant is likely to be tolerated. In summary, the available evidence is currently insufficient to determine the role of this variant in disease. Therefore, it has been classified as a Variant of Uncertain Significance.